The following is an entry in ClinVar:

NM_001035.3(RYR2):c.7780T>C (p.Phe2594Leu)

Gene: RYR2 (ryanodine receptor 2; plus strand). Cytogenetic location: 1q43.
Variant type: single nucleotide variant.
Coding change: c.7780T>C on transcript NM_001035.3 (MANE Select); coding-DNA position 7780, T replaced by C.
Protein change: p.Phe2594Leu; replaces phenylalanine 2594 with leucine.
Molecular consequence: missense variant.
Genome position (GRCh38, 1-based): chr1:237,651,457, T>C. VCF-style: chr1-237651457-T-C. GRCh37 (hg19) VCF-style: chr1-237814757-T-C.
Other names: short protein forms F2594L.
Identifiers: ClinVar variation 3075046 (VCV003075046.2), dbSNP rs2547049732, ClinGen allele CA345399646.

ClinVar aggregate classification (germline): Uncertain significance. Review status: criteria provided, multiple submitters, no conflicts (2 of 4 stars). 2 submissions from 2 submitters: Uncertain significance (2). Last evaluated 2025-07-31.

Conditions:
Catecholaminergic polymorphic ventricular tachycardia 1. Also called: VENTRICULAR TACHYCARDIA, CATECHOLAMINERGIC POLYMORPHIC, 1, WITH OR WITHOUT ATRIAL DYSFUNCTION AND/OR DILATED CARDIOMYOPATHY; RYR2-Related Catecholaminergic Polymorphic Ventricular Tachycardia; VENTRICULAR TACHYCARDIA, STRESS-INDUCED POLYMORPHIC 1. Identifiers: Orphanet 3286, MedGen C1631597, MONDO:0011484, OMIM 604772.
Catecholaminergic polymorphic ventricular tachycardia (CVPT). Also called: Catecholamine-induced polymorphic ventricular tachycardia. Identifiers: Orphanet 3286, MedGen C5574922, MONDO:0017990.

Submissions (2):

3billion
Classification: Uncertain significance for Catecholaminergic polymorphic ventricular tachycardia 1. Last evaluated: 2025-07-31. Review status: criteria provided, single submitter. Criteria: ACMG Guidelines, 2015. Collection method: clinical testing. Allele origin: germline. Affected: yes.
Comment: The variant is not observed in the gnomAD v4.1.0 dataset. Predicted Consequence/Location: Missense variant. Missense changes are a common disease-causing mechanism. In silico tool predictions suggest damaging effect of the variant on gene or gene product [REVEL: 0.74 (>=0.6, sensitivity 0.68 and specificity 0.92); 3Cnet: 0.86 (> 0.75, sensitivity 0.96 and precision 0.92)]. The variant has been reported as of uncertain significance (ClinVar ID: VCV003075046). Therefore, this variant is classified as VUS according to the recommendation of ACMG/AMP guideline.

All of Us Research Program, National Institutes of Health
Classification: Uncertain significance for Catecholaminergic polymorphic ventricular tachycardia. Last evaluated: 2023-12-18. Review status: criteria provided, single submitter. Criteria: ACMG Guidelines, 2015. Collection method: clinical testing. Allele origin: germline. Inheritance: Autosomal dominant inheritance. Observed: 1 variant allele, 1 heterozygote.
Comment: This missense variant replaces phenylalanine with leucine at codon 2594 of the RYR2 protein. Computational prediction suggests that this variant may have deleterious impact on protein structure and function (internally defined REVEL score threshold >= 0.7, PMID: 27666373). To our knowledge, functional studies have not been reported for this variant. This variant has not been reported in individuals affected with RYR2-related disorders in the literature. This variant has not been identified in the general population by the Genome Aggregation Database (gnomAD). The available evidence is insufficient to determine the role of this variant in disease conclusively. Therefore, this variant is classified as a Variant of Uncertain Significance.

This study involves interpretation of variants in research participants for the purpose of population health screening. Participant phenotype was not available at the time of variant classification. Additional details can be found in publication PMID: 35346344, PMCID: PMC8962531